The following is an entry in ClinVar:

ClinVar aggregate classification (germline): Conflicting classifications of pathogenicity. Review status: criteria provided, conflicting classifications (1 of 4 stars). 9 submissions from 8 submitters: Uncertain significance (7); Likely benign (1). 1 of the submissions does not count toward it. Last evaluated 2026-01-13.

Conditions:
Pendred syndrome (PDS). Also called: THYROID DYSHORMONOGENESIS 2B; THYROID HORMONOGENESIS, GENETIC DEFECT IN, 2B; Pendred's syndrome; Pendred Syndrome (PDS); DEAFNESS WITH GOITER; GOITER-DEAFNESS SYNDROME. Identifiers: Orphanet 705, MedGen C0271829, MONDO:0010134, OMIM 274600.
Autosomal recessive nonsyndromic hearing loss 4 (DFNB4). Also called: NEUROSENSORY NONSYNDROMIC RECESSIVE DEAFNESS 4; Deafness, autosomal recessive 4, with enlarged vestibular aqueduct; Deafness, autosomal recessive 4; Nonsyndromic enlarged vestibular aqueduct (NSEVA); FOXI1-Related Pendred Syndrome; KCNJ10-Related Pendred Syndrome. Identifiers: Orphanet 90636, MedGen C3538946, MONDO:0010933, OMIM 600791.

Allele frequency attached by ClinVar (database versions not stated): TOPMed 0.00008; gnomAD exomes 0.00023 and 0.00056; gnomAD 0.00034 and 0.00037; ExAC 0.00051.

Submissions (9):

Labcorp Genetics (formerly Invitae), Labcorp
Classification: Likely benign. Last evaluated: 2026-01-13. Review status: criteria provided, single submitter. Criteria: Invitae Variant Classification Sherloc (09022015). Collection method: clinical testing. Allele origin: germline.

GeneDx
Classification: Uncertain significance. Last evaluated: 2025-07-14. Review status: criteria provided, single submitter. Criteria: GeneDx Variant Classification Process June 2021. Collection method: clinical testing. Allele origin: germline. Affected: yes.
Comment: Identified in a patient with unilateral hearing loss and ipsilateral enlarged vestibular aqueduct in the literature, but no second variant was identified (PMID: 20621367); In silico analysis supports that this missense variant has a deleterious effect on protein structure/function; Identified in a patient with congenital hypothyroidism without hearing loss and in multiple patients with congenital hypothyroidism whose hearing status was not reported in the published literature (PMID: 30240412, 26886089); however, a second variant was not identified and one case also had a homozygous variant in another gene; This variant is associated with the following publications: (PMID: 27771369, 30245029, 26886089, 36499699, 16570074, 20128824, 20621367, 30240412)

Blueprint Genetics
Classification: Uncertain significance. Last evaluated: 2024-11-21. Review status: criteria provided, single submitter. Criteria: ACMG Guidelines, 2015. Collection method: clinical testing. Allele origin: germline.

Genome-Nilou Lab
Classification: Uncertain significance for Autosomal recessive nonsyndromic hearing loss 4. Last evaluated: 2021-09-05. Review status: criteria provided, single submitter. Criteria: ACMG Guidelines, 2015. Collection method: clinical testing. Allele origin: germline. Affected: no.

Genome-Nilou Lab
Classification: Uncertain significance for Pendred syndrome. Last evaluated: 2021-09-05. Review status: criteria provided, single submitter. Criteria: ACMG Guidelines, 2015. Collection method: clinical testing. Allele origin: germline. Affected: no.

Molecular Diagnostics Lab, Nemours Children's Health, Delaware
Classification: Uncertain significance for Pendred syndrome. Last evaluated: 2020-05-18. Review status: criteria provided, single submitter. Criteria: ACMG Guidelines, 2015. Collection method: clinical testing. Allele origin: unknown. Inheritance: Autosomal recessive inheritance. Affected: yes. Observed: 1 variant allele.

CeGaT Center for Human Genetics Tuebingen
Classification: Uncertain significance. Last evaluated: 2017-10-01. Review status: criteria provided, single submitter. Criteria: CeGaT Center For Human Genetics Tuebingen Variant Classification Criteria Version 2. Collection method: clinical testing. Allele origin: germline. Affected: yes. Observed: 1 variant allele.

Laboratory for Molecular Medicine, Mass General Brigham Personalized Medicine
Classification: Uncertain significance. Last evaluated: 2016-01-12. Review status: criteria provided, single submitter. Criteria: LMM Criteria. Collection method: clinical testing. Allele origin: germline. Observed: 1 variant allele.
Comment: The p.Met147Ile variant in SLC26A4 has been reported in 1 individual with unilat eral hearing loss and enlargement of the vestibular aqueduct (EVA) who did not h ave a second SLC26A4 variant (Jonard 2010). This variant has also been identifie d in 0.5% (35/6614) of Finnish chromosomes by the Exome Aggregation Consortium ( ExAC; dbSNP rs201905280). Although this variant has been seen in the general population, its frequency is not high enough to rul e out a pathogenic role. Computational prediction tools and conservation analyse s suggest that the p.Met147Ile variant may impact the protein, though this infor mation is not predictive enough to determine pathogenicity. Two additional varia nts at this position (p.Met147Val and p.Met147Thr) have also previously been rep orted in individuals with hearing loss and EVA. The p.Met147Val variant has been reported in at least 5 individuals with hearing loss and EVA all of whom were c ompound heterozygous for a second pathogenic SLC26A4 variant, and functional stu dies suggest that protein function may be altered (Park 2005, Albert 2006, Yoon 2008, Ishihara 2010, Huang 2011). The p.Met147Thr variant has been observed in a t least 3 homozygous individuals with hearing loss and segregated with hearing l oss in 1 family (Albert 2006, Rebeh 2010). In summary, the clinical significance of the p.Met147Ile variant is uncertain.

Counsyl
Classification: Uncertain significance for Pendred syndrome. Last evaluated: 2017-11-14. Review status: no assertion criteria provided. Collection method: clinical testing. Allele origin: unknown. Not counted in ClinVar's aggregate classification.

Literature cited by the submitters: PubMed 26886069 (cited by Molecular Diagnostics Lab, Nemours Children's Health, Delaware); PubMed 20623167 (cited by Molecular Diagnostics Lab, Nemours Children's Health, Delaware); PubMed 20621367 (cited by Laboratory for Molecular Medicine, Mass General Brigham Personalized Medicine and Counsyl); PubMed 26886089 (cited by Counsyl); PubMed 27771369 (cited by Counsyl).

NM_000441.2(SLC26A4):c.441G>A (p.Met147Ile)

Gene: SLC26A4 (solute carrier family 26 member 4; plus strand). Cytogenetic location: 7q22.3.
Variant type: single nucleotide variant.
Coding change: c.441G>A on transcript NM_000441.2 (MANE Select); coding-DNA position 441, G replaced by A.
Protein change: p.Met147Ile; replaces methionine 147 with isoleucine.
Molecular consequence: missense variant.
Genome position (GRCh38, 1-based): chr7:107,674,189, G>A. VCF-style: chr7-107674189-G-A. GRCh37 (hg19) VCF-style: chr7-107314634-G-A.
Other names: short protein forms M147I.
Identifiers: ClinVar variation 229258 (VCV000229258.66), dbSNP rs201905280, ClinGen allele CA4432482.